The following is an entry in ClinVar:

ClinVar aggregate classification (germline): Uncertain significance (1 of 4 stars; one submission).

Submission:

Labcorp Genetics (formerly Invitae), Labcorp
Classification: Uncertain significance. Last evaluated: 2023-03-16. Review status: criteria provided, single submitter. Criteria: Invitae Variant Classification Sherloc (09022015). Collection method: clinical testing. Allele origin: germline.
Comment: In summary, the available evidence is currently insufficient to determine the role of this variant in disease. Therefore, it has been classified as a Variant of Uncertain Significance. Advanced modeling of protein sequence and biophysical properties (such as structural, functional, and spatial information, amino acid conservation, physicochemical variation, residue mobility, and thermodynamic stability) performed at Invitae indicates that this missense variant is not expected to disrupt MYH3 protein function. This variant has not been reported in the literature in individuals affected with MYH3-related conditions. This variant is not present in population databases (gnomAD no frequency). This sequence change replaces lysine, which is basic and polar, with glutamine, which is neutral and polar, at codon 1166 of the MYH3 protein (p.Lys1166Gln).

NM_002470.4(MYH3):c.3496A>C (p.Lys1166Gln)

Gene: MYH3 (myosin heavy chain 3; minus strand). Cytogenetic location: 17p13.1.
Variant type: single nucleotide variant.
Coding change: c.3496A>C on transcript NM_002470.4 (MANE Select); coding-DNA position 3496, A replaced by C.
Protein change: p.Lys1166Gln; replaces lysine 1166 with glutamine.
Molecular consequence: missense variant.
Genome position (GRCh38, 1-based): chr17:10,638,276, T>G on the plus strand (A>C on the coding strand, the complement: MYH3 is on the minus strand). VCF-style: chr17-10638276-T-G. GRCh37 (hg19) VCF-style: chr17-10541593-T-G.
Other names: short protein forms K1166Q.
Identifiers: ClinVar variation 2705321 (VCV002705321.3), dbSNP rs2074235438, ClinGen allele CA398151727.